The following is an entry in ClinVar:

ClinVar aggregate classification (germline): Benign (1 of 4 stars; one submission).

Conditions:
Progressive external ophthalmoplegia with mitochondrial DNA deletions, autosomal dominant 2. Also called: PROGRESSIVE EXTERNAL OPHTHALMOPLEGIA, AUTOSOMAL DOMINANT 2. Identifiers: MedGen C1836460, MONDO:0012238, OMIM 609283.

Allele frequency attached by ClinVar (database versions not stated): 1000 Genomes Project 30x 0.00250; 1000 Genomes Project 0.00260; gnomAD 0.00366 and 0.00401; TOPMed 0.00409.

Submission:

Illumina Laboratory Services, Illumina
Classification: Benign for Progressive external ophthalmoplegia with mitochondrial DNA deletions, autosomal dominant 2. Last evaluated: 2018-01-13. Review status: criteria provided, single submitter. Criteria: ICSL Variant Classification Criteria 13 December 2019. Collection method: clinical testing. Allele origin: germline.
Comment: This variant was observed in the ICSL laboratory as part of a predisposition screen in an ostensibly healthy population. It had not been previously curated by ICSL or reported in the Human Gene Mutation Database (HGMD: prior to June 1st, 2018), and was therefore a candidate for classification through an automated scoring system. Utilizing variant allele frequency, disease prevalence and penetrance estimates, and inheritance mode, an automated score was calculated to assess if this variant is too frequent to cause the disease. Based on the score and internal cut-off values, a variant classified as benign is not then subjected to further curation. The score for this variant resulted in a classification of benign for this disease.

NM_001151.4(SLC25A4):c.*2529C>T

Gene: SLC25A4 (solute carrier family 25 member 4; plus strand). Cytogenetic location: 4q35.1.
Variant type: single nucleotide variant.
Coding change: c.*2529C>T on transcript NM_001151.4 (MANE Select); 2529 bases downstream of the stop codon, C replaced by T.
Molecular consequence: 3 prime UTR variant.
Genome position (GRCh38, 1-based): chr4:185,149,500, C>T. VCF-style: chr4-185149500-C-T. GRCh37 (hg19) VCF-style: chr4-186070654-C-T.
Identifiers: ClinVar variation 348276 (VCV000348276.5), dbSNP rs113950388, ClinGen allele CA10617494.